The following is an entry in ClinVar:

NM_017934.7(PHIP):c.2140C>T (p.Arg714Trp)

Gene: PHIP (PHIP subunit of CUL4-Ring ligase complex; minus strand). Cytogenetic location: 6q14.1.
Variant type: single nucleotide variant.
Coding change: c.2140C>T on transcript NM_017934.7 (MANE Select); coding-DNA position 2140, C replaced by T.
Protein change: p.Arg714Trp; replaces arginine 714 with tryptophan.
Molecular consequence: missense variant.
Genome position (GRCh38, 1-based): chr6:78,997,475, G>A on the plus strand (C>T on the coding strand, the complement: PHIP is on the minus strand). VCF-style: chr6-78997475-G-A. GRCh37 (hg19) VCF-style: chr6-79707192-G-A.
Other names: short protein forms R714W.
Identifiers: ClinVar variation 3713805 (VCV003713805.2).

ClinVar aggregate classification (germline): Uncertain significance (1 of 4 stars; one submission).

gnomAD v4.1: 10 of 1,613,904 alleles (0.00062%); highest among the groups gnomAD compares: Admixed American, 0.0017%; no homozygotes.

Submission:

Labcorp Genetics (formerly Invitae), Labcorp
Classification: Uncertain significance. Last evaluated: 2025-07-13. Review status: criteria provided, single submitter. Criteria: Invitae Variant Classification Sherloc (09022015). Collection method: clinical testing. Allele origin: germline.
Comment: This sequence change replaces arginine, which is basic and polar, with tryptophan, which is neutral and slightly polar, at codon 714 of the PHIP protein (p.Arg714Trp). This variant is present in population databases (rs557090267, gnomAD 0.01%). This variant has not been reported in the literature in individuals affected with PHIP-related conditions. ClinVar contains an entry for this variant (Variation ID: 3713805). Invitae Evidence Modeling of protein sequence and biophysical properties (such as structural, functional, and spatial information, amino acid conservation, physicochemical variation, residue mobility, and thermodynamic stability) has been performed for this missense variant. However, the output from this modeling did not meet the statistical confidence thresholds required to predict the impact of this variant on PHIP protein function. In summary, the available evidence is currently insufficient to determine the role of this variant in disease. Therefore, it has been classified as a Variant of Uncertain Significance.